The following is an entry in ClinVar:

ClinVar aggregate classification (germline): Uncertain significance (1 of 4 stars; one submission).

Conditions:
IFT88-related disorder. Also called: IFT88-related condition.

gnomAD v4.1: 3 of 1,603,518 alleles (0.00019%); highest among the groups gnomAD compares: African/African-American, 0.004%; no homozygotes.

Submission:

PreventionGenetics, part of Exact Sciences
Classification: Uncertain significance for IFT88-related condition. Last evaluated: 2026-02-02. Review status: criteria provided, single submitter. Criteria: ACMG Guidelines, 2015. Collection method: clinical testing. Allele origin: germline.
Comment: The IFT88 c.1736A>G variant is predicted to result in the amino acid substitution p.Gln579Arg. To our knowledge, this variant has not been reported in the literature. This variant is reported in 0.0062% of alleles in individuals of African descent in gnomAD. At this time, the clinical significance of this variant is uncertain due to the absence of conclusive functional and genetic evidence.

NM_006531.5(IFT88):c.1709A>G (p.Gln570Arg)

Gene: IFT88 (intraflagellar transport 88; plus strand). Cytogenetic location: 13q12.11.
Variant type: single nucleotide variant.
Coding change: c.1709A>G on transcript NM_006531.5 (MANE Select); coding-DNA position 1709, A replaced by G.
Protein change: p.Gln570Arg; replaces glutamine 570 with arginine.
Molecular consequence: missense variant. On other transcripts: non-coding transcript variant (4).
Genome position (GRCh38, 1-based): chr13:20,643,481, A>G. VCF-style: chr13-20643481-A-G. GRCh37 (hg19) VCF-style: chr13-21217620-A-G.
Other names: c.1652A>G, p.Gln551Arg (NM_001318491.2, NM_001353575.2); c.1736A>G, p.Gln579Arg (NM_001318493.2, NM_001353565.2, NM_001353566.2 and 2 more transcripts); c.1709A>G, p.Gln570Arg (NM_001353568.2, NM_001353572.2); c.1634A>G, p.Gln545Arg (NM_001353569.2, NM_001353570.2, NM_001353576.2 and 1 more transcripts); c.1607A>G, p.Gln536Arg (NM_001353571.2, NM_001353578.2); c.1565A>G, p.Gln522Arg (NM_001353573.2); c.1550A>G, p.Gln517Arg (NM_001353574.2); c.1076A>G, p.Gln359Arg (NM_001353579.2); short protein forms Q359R, Q536R, Q570R, Q522R, Q545R, Q551R, Q579R, Q517R.
Identifiers: ClinVar variation 4982293 (VCV004982293.1).